The following is an entry in ClinVar:

ClinVar aggregate classification (germline): Uncertain significance (1 of 4 stars; one submission).

Conditions:
Emery-Dreifuss muscular dystrophy 5, autosomal dominant (EDMD5). Also called: EMERY-DREIFUSS MUSCULAR DYSTROPHY 5. Identifiers: Orphanet 261, MedGen C2751805, MONDO:0013072, OMIM 612999.

Submission:

Labcorp Genetics (formerly Invitae), Labcorp
Classification: Uncertain significance for Emery-Dreifuss muscular dystrophy 5, autosomal dominant. Last evaluated: 2024-12-18. Review status: criteria provided, single submitter. Criteria: Invitae Variant Classification Sherloc (09022015). Collection method: clinical testing. Allele origin: germline.
Comment: This sequence change replaces proline, which is neutral and non-polar, with serine, which is neutral and polar, at codon 1077 of the SYNE2 protein (p.Pro1077Ser). This variant is not present in population databases (gnomAD no frequency). This variant has not been reported in the literature in individuals affected with SYNE2-related conditions. An algorithm developed to predict the effect of missense changes on protein structure and function outputs the following: PolyPhen-2: "Benign". The serine amino acid residue is found in multiple mammalian species, which suggests that this missense change does not adversely affect protein function. In summary, the available evidence is currently insufficient to determine the role of this variant in disease. Therefore, it has been classified as a Variant of Uncertain Significance.

NM_182914.3(SYNE2):c.3229C>T (p.Pro1077Ser)

Gene: SYNE2 (spectrin repeat containing nuclear envelope protein 2; plus strand). Cytogenetic location: 14q23.2.
Variant type: single nucleotide variant.
Coding change: c.3229C>T on transcript NM_182914.3 (MANE Select); coding-DNA position 3229, C replaced by T.
Protein change: p.Pro1077Ser; replaces proline 1077 with serine.
Molecular consequence: missense variant.
Genome position (GRCh38, 1-based): chr14:63,997,377, C>T. VCF-style: chr14-63997377-C-T. GRCh37 (hg19) VCF-style: chr14-64464095-C-T.
Other names: c.3229C>T, p.Pro1077Ser (NM_015180.6); short protein forms P1077S.
Identifiers: ClinVar variation 3715840 (VCV003715840.2).